The following is an entry in ClinVar:

NM_001853.4(COL9A3):c.576+9C>G

Gene: COL9A3 (collagen type IX alpha 3 chain; plus strand). Cytogenetic location: 20q13.33.
Variant type: single nucleotide variant.
Coding change: c.576+9C>G on transcript NM_001853.4 (MANE Select); 9 bases into the intron after coding-DNA position 576, C replaced by G.
Molecular consequence: intron variant.
Genome position (GRCh38, 1-based): chr20:62,824,510, C>G. VCF-style: chr20-62824510-C-G. GRCh37 (hg19) VCF-style: chr20-61455862-C-G.
Identifiers: ClinVar variation 1595363 (VCV001595363.11), dbSNP rs377255816, ClinGen allele CA9949357.

ClinVar aggregate classification (germline): Likely benign. Review status: criteria provided, multiple submitters, no conflicts (2 of 4 stars). 3 submissions from 3 submitters: Likely benign (3). Last evaluated 2025-12-30.

gnomAD v4.1: 25 of 1,584,828 alleles (0.0016%); highest among the groups gnomAD compares: Non-Finnish European, 0.002%; no homozygotes.

Submissions (3):

Labcorp Genetics (formerly Invitae), Labcorp
Classification: Likely benign. Last evaluated: 2025-12-30. Review status: criteria provided, single submitter. Criteria: Invitae Variant Classification Sherloc (09022015). Collection method: clinical testing. Allele origin: germline.

Women's Health and Genetics/Laboratory Corporation of America, LabCorp
Classification: Likely benign. Last evaluated: 2023-11-07. Review status: criteria provided, single submitter. Criteria: LabCorp Variant Classification Summary - May 2015. Collection method: clinical testing. Allele origin: germline.
Comment: Variant summary: COL9A3 c.576+9C>G alters a non-conserved nucleotide located at a position not widely known to affect splicing. Consensus agreement among computation tools predict no significant impact on normal splicing. However, these predictions have yet to be confirmed by functional studies. The variant allele was found at a frequency of 2.5e-05 in 199376 control chromosomes. The available data on variant occurrences in the general population are insufficient to allow any conclusion about variant significance. To our knowledge, no occurrence of c.576+9C>G in individuals affected with Epiphyseal Dysplasia, Multiple, 3 and no experimental evidence demonstrating its impact on protein function have been reported. One submitter has cited clinical-significance assessments for this variant to ClinVar after 2014 and has classified the variant as likely benign. Based on the evidence outlined above, the variant was classified as likely benign.

Blueprint Genetics
Classification: Likely benign. Last evaluated: 2021-10-27. Review status: criteria provided, single submitter. Criteria: ACMG Guidelines, 2015. Collection method: clinical testing. Allele origin: germline.